The following is an entry in ClinVar:

NM_000059.4(BRCA2):c.7882A>T (p.Ile2628Leu)

Gene: BRCA2 (BRCA2 DNA repair associated; plus strand). Cytogenetic location: 13q13.1.
Variant type: single nucleotide variant.
Coding change: c.7882A>T on transcript NM_000059.4 (MANE Select); coding-DNA position 7882, A replaced by T.
Protein change: p.Ile2628Leu; replaces isoleucine 2628 with leucine.
Molecular consequence: missense variant.
Genome position (GRCh38, 1-based): chr13:32,362,599, A>T. VCF-style: chr13-32362599-A-T. GRCh37 (hg19) VCF-style: chr13-32936736-A-T.
Other names: short protein forms I2628L.
Identifiers: ClinVar variation 619653 (VCV000619653.6), dbSNP rs1483187442, ClinGen allele CA387747111.

ClinVar aggregate classification (germline): Conflicting classifications of pathogenicity. Review status: criteria provided, conflicting classifications (1 of 4 stars). 3 submissions from 3 submitters: Uncertain significance (2); Likely benign (1). Last evaluated 2025-12-08.

Conditions:
Hereditary breast ovarian cancer syndrome. Also called: Hereditary breast and ovarian cancer; Hereditary breast and ovarian cancer syndrome (HBOC); Breast and ovarian cancer; BRCA1- and BRCA2-Associated Hereditary Breast and Ovarian Cancer; Hereditary breast and/or ovarian cancer syndrome; Hereditary breast and ovarian cancer syndrome. Identifiers: Orphanet 145, MedGen C0677776, MeSH D061325, MONDO:0003582. Disease mechanism: loss of function.
Hereditary cancer-predisposing syndrome. Also called: Neoplastic Syndromes, Hereditary; Hereditary neoplastic syndrome; Tumor predisposition; Hereditary Cancer Syndrome. Identifiers: Orphanet 140162, MedGen C0027672, MeSH D009386, MONDO:0015356.

Submissions (3):

Labcorp Genetics (formerly Invitae), Labcorp
Classification: Uncertain significance for Hereditary breast ovarian cancer syndrome. Last evaluated: 2025-12-08. Review status: criteria provided, single submitter. Criteria: Invitae Variant Classification Sherloc (09022015). Collection method: clinical testing. Allele origin: germline.
Comment: This sequence change replaces isoleucine, which is neutral and non-polar, with leucine, which is neutral and non-polar, at codon 2628 of the BRCA2 protein (p.Ile2628Leu). This variant is not present in population databases (gnomAD no frequency). This variant has not been reported in the literature in individuals affected with BRCA2-related conditions. ClinVar contains an entry for this variant (Variation ID: 619653). Invitae Evidence Modeling of protein sequence and biophysical properties (such as structural, functional, and spatial information, amino acid conservation, physicochemical variation, residue mobility, and thermodynamic stability) indicates that this missense variant is not expected to disrupt BRCA2 protein function with a negative predictive value of 95%. In summary, the available evidence is currently insufficient to determine the role of this variant in disease. Therefore, it has been classified as a Variant of Uncertain Significance.

Ambry Genetics
Classification: Likely benign for Hereditary cancer-predisposing syndrome. Last evaluated: 2025-05-19. Review status: criteria provided, single submitter. Criteria: Ambry Variant Classification Scheme 2023. Collection method: clinical testing. Allele origin: germline.

Quest Diagnostics Nichols Institute San Juan Capistrano
Classification: Uncertain significance. Last evaluated: 2018-08-06. Review status: criteria provided, single submitter. Criteria: Quest Diagnostics criteria. Collection method: clinical testing. Allele origin: germline.